The following is an entry in ClinVar:

ClinVar aggregate classification (germline): Likely benign. Review status: criteria provided, multiple submitters, no conflicts (2 of 4 stars). 2 submissions from 2 submitters: Likely benign (2). Last evaluated 2021-11-09.

Conditions:
SEMA3B-related disorder. Also called: SEMA3B-related condition.

Submissions (2):

PreventionGenetics, part of Exact Sciences
Classification: Likely benign for SEMA3B-related condition. Last evaluated: 2021-11-09. Review status: criteria provided, single submitter. Criteria: ACMG Guidelines, 2015. Collection method: clinical testing. Allele origin: germline.
Comment: This variant is classified as likely benign based on ACMG/AMP sequence variant interpretation guidelines (Richards et al. 2015 PMID: 25741868, with internal and published modifications).

Ambry Genetics
Classification: Likely benign. Last evaluated: 2021-09-27. Review status: criteria provided, single submitter. Criteria: Ambry Variant Classification Scheme 2023. Collection method: clinical testing. Allele origin: germline.

NM_001290060.2(SEMA3B):c.2039C>T (p.Ala680Val)

Gene: SEMA3B (semaphorin 3B; plus strand). Cytogenetic location: 3p21.31.
Variant type: single nucleotide variant.
Coding change: c.2039C>T on transcript NM_001290060.2 (MANE Select); coding-DNA position 2039, C replaced by T.
Protein change: p.Ala680Val; replaces alanine 680 with valine.
Molecular consequence: missense variant. On other transcripts: non-coding transcript variant (1).
Genome position (GRCh38, 1-based): chr3:50,276,495, C>T. VCF-style: chr3-50276495-C-T. GRCh37 (hg19) VCF-style: chr3-50313926-C-T.
Other names: c.2036C>T, p.Ala679Val (NM_001005914.3); c.2054C>T, p.Ala685Val (NM_001290061.1); c.1010C>T, p.Ala337Val (NM_001290062.2, NM_001290063.2); c.2039C>T, p.Ala680Val (NM_004636.4); short protein forms A337V, A685V, A679V, A680V.
Identifiers: ClinVar variation 2252499 (VCV002252499.3), dbSNP rs2470783999, ClinGen allele CA352921446.